The following is an entry in ClinVar:

ClinVar aggregate classification (germline): Likely benign (1 of 4 stars; one submission).

gnomAD v4.1: 7 of 1,613,450 alleles (0.00043%); highest among the groups gnomAD compares: Non-Finnish European, 0.00042%; no homozygotes.

Submission:

CeGaT Center for Human Genetics Tuebingen
Classification: Likely benign. Last evaluated: 2025-09-01. Review status: criteria provided, single submitter. Criteria: CeGaT Center For Human Genetics Tuebingen Variant Classification Criteria Version 2. Collection method: clinical testing. Allele origin: germline. Affected: yes. Observed: 1 variant allele.
Comment: ADGRL1: BP4, BP7

NM_014921.5(ADGRL1):c.495G>A (p.Ala165=)

Genes: ADGRL1 (adhesion G protein-coupled receptor L1; minus strand), ADGRL1-AS1 (ADGRL1 antisense RNA 1; plus strand). Cytogenetic location: 19p13.12.
Variant type: single nucleotide variant.
Coding change: c.495G>A on transcript NM_014921.5 (MANE Select); coding-DNA position 495, G replaced by A.
Protein change: p.Ala165=; no amino-acid change (alanine 165 retained).
Molecular consequence: synonymous variant.
Genome position (GRCh38, 1-based): chr19:14,163,306, C>T on the plus strand (G>A on the coding strand, the complement: ADGRL1 is on the minus strand). VCF-style: chr19-14163306-C-T. GRCh37 (hg19) VCF-style: chr19-14274118-C-T.
Other names: c.510G>A, p.Ala170= (NM_001008701.3).
Identifiers: ClinVar variation 4083913 (VCV004083913.8).